The following is an entry in ClinVar:

ClinVar aggregate classification (germline): Uncertain significance (0 of 4 stars; one submission).

Conditions:
TRIP12-related disorder. Also called: TRIP12-related condition.

Submission:

PreventionGenetics, part of Exact Sciences
Classification: Uncertain significance for TRIP12-related condition. Last evaluated: 2024-05-21. Review status: no assertion criteria provided. Collection method: clinical testing. Allele origin: germline.
Comment: The TRIP12 c.5351A>G variant is predicted to result in the amino acid substitution p.His1784Arg. To our knowledge, this variant has not been reported in the literature or in a large population database, indicating this variant is rare. At this time, the clinical significance of this variant is uncertain due to the absence of conclusive functional and genetic evidence.

NM_001348323.3(TRIP12):c.5432A>G (p.His1811Arg)

Gene: TRIP12 (thyroid hormone receptor interactor 12; minus strand). Cytogenetic location: 2q36.3.
Variant type: single nucleotide variant.
Coding change: c.5432A>G on transcript NM_001348323.3 (MANE Select); coding-DNA position 5432, A replaced by G.
Protein change: p.His1811Arg; replaces histidine 1811 with arginine.
Molecular consequence: missense variant.
Genome position (GRCh38, 1-based): chr2:229,777,412, T>C on the plus strand (A>G on the coding strand, the complement: TRIP12 is on the minus strand). VCF-style: chr2-229777412-T-C. GRCh37 (hg19) VCF-style: chr2-230642128-T-C.
Other names: c.5351A>G, p.His1784Arg (NM_001284214.2, NM_001348315.2); c.5306A>G, p.His1769Arg (NM_001284215.2, NM_001348316.2); c.4397A>G, p.His1466Arg (NM_001284216.2); c.5291A>G, p.His1764Arg (NM_001348317.1, NM_001348318.2); c.5417A>G, p.His1806Arg (NM_001348319.1, NM_001348320.2); c.5420A>G, p.His1807Arg (NM_001348321.1); c.5432A>G, p.His1811Arg (NM_001348322.1, NM_001348324.2, NM_001348325.2 and 2 more transcripts); c.5435A>G, p.His1812Arg (NM_001348328.1, NM_001348329.2, NM_001348330.2); and 4 more; short protein forms H1466R, H1736R, H1737R, H1764R, H1769R, H1777R, H1784R, H1785R.
Identifiers: ClinVar variation 3345227 (VCV003345227.1).